The following is an entry in ClinVar:

ClinVar aggregate classification (germline): Uncertain significance (1 of 4 stars; one submission).

Submission:

GeneDx
Classification: Uncertain significance. Last evaluated: 2022-04-26. Review status: criteria provided, single submitter. Criteria: GeneDx Variant Classification Process June 2021. Collection method: clinical testing. Allele origin: germline. Affected: yes.
Comment: Not observed at significant frequency in large population cohorts (gnomAD); In silico analysis supports that this missense variant has a deleterious effect on protein structure/function; Has not been previously published as pathogenic or benign to our knowledge

NM_001009944.3(PKD1):c.12683G>T (p.Arg4228Leu)

Gene: PKD1 (polycystin 1, transient receptor potential channel interacting; minus strand). Cytogenetic location: 16p13.3.
Variant type: single nucleotide variant.
Coding change: c.12683G>T on transcript NM_001009944.3 (MANE Select); coding-DNA position 12683, G replaced by T.
Protein change: p.Arg4228Leu; replaces arginine 4228 with leucine.
Molecular consequence: missense variant.
Genome position (GRCh38, 1-based): chr16:2,089,956, C>A on the plus strand (G>T on the coding strand, the complement: PKD1 is on the minus strand). VCF-style: chr16-2089956-C-A. GRCh37 (hg19) VCF-style: chr16-2139957-C-A.
Other names: c.12680G>T, p.Arg4227Leu (NM_000296.4); short protein forms R4227L, R4228L.
Identifiers: ClinVar variation 1712837 (VCV001712837.2), dbSNP rs1064797205, ClinGen allele CA394320918.
Genomic context (GRCh38, chr16:2,089,956, plus strand): 5'-CCTTGCAGGCTGTGCAGCTGCTGCTCCAGCTGGTAGACGTCCTCTGTGGCCTGGTTGAGT[C>A]GGTCAAACTGGGTGAGCAGGGCCTCGAACACGGCTTGGAGGCGGGAGGGCTCAGGCTCAC-3'
Protein context (NP_001009944.3, residues 4218-4238): VFEALLTQFD[Arg4228Leu]LNQATEDVYQ